The following is an entry in ClinVar:

ClinVar aggregate classification (germline): Uncertain significance. Review status: criteria provided, multiple submitters, no conflicts (2 of 4 stars). 2 submissions from 2 submitters: Uncertain significance (2). Last evaluated 2023-08-11.

Conditions:
Alzheimer disease 3 (AD3). Also called: ALZHEIMER DISEASE, FAMILIAL, 3. Identifiers: Orphanet 1020, MedGen C1843013, MONDO:0011913, OMIM 607822.
Frontotemporal dementia (FTD1). Also called: FRONTOTEMPORAL DEMENTIA WITH PARKINSONISM; FRONTOTEMPORAL LOBE DEMENTIA; Frontotemporal lobe dementia (FLDEM); Frontotemporal Dementia with Parkinsonism-17 (FTDP-17); Dementia, frontotemporal, with or without parkinsonism; MULTIPLE SYSTEM TAUOPATHY WITH PRESENILE DEMENTIA. Identifiers: Orphanet 282, MedGen C0338451, MONDO:0017276, OMIM 600274, HP:0002145.
Pick disease. Also called: DEMENTIA WITH LOBAR ATROPHY AND NEURONAL CYTOPLASMIC INCLUSIONS; Pick Disease of the Brain; PICK DISEASE OF BRAIN; Pick's disease; LOBAR ATROPHY OF BRAIN. Identifiers: Orphanet 282, MedGen C0236642, MONDO:0008243, OMIM 172700.
Acne inversa, familial, 3 (ACNINV3). Identifiers: MedGen C3151038, MONDO:0013398, OMIM 613737.

Allele frequency attached by ClinVar (database versions not stated): 1000 Genomes Project 30x 0.00203.

Submissions (2):

Blueprint Genetics
Classification: Uncertain significance. Last evaluated: 2023-08-11. Review status: criteria provided, single submitter. Criteria: ACMG Guidelines, 2015. Collection method: clinical testing. Allele origin: germline.

Labcorp Genetics (formerly Invitae), Labcorp
Classification: Uncertain significance for Alzheimer disease 3; Pick disease; Acne inversa, familial, 3; Frontotemporal dementia. Last evaluated: 2022-07-08. Review status: criteria provided, single submitter. Criteria: Invitae Variant Classification Sherloc (09022015). Collection method: clinical testing. Allele origin: germline.
Comment: Advanced modeling of protein sequence and biophysical properties (such as structural, functional, and spatial information, amino acid conservation, physicochemical variation, residue mobility, and thermodynamic stability) performed at Invitae indicates that this missense variant is expected to disrupt PSEN1 protein function. In summary, the available evidence is currently insufficient to determine the role of this variant in disease. Therefore, it has been classified as a Variant of Uncertain Significance. This variant has not been reported in the literature in individuals affected with PSEN1-related conditions. This variant is not present in population databases (gnomAD no frequency). This sequence change replaces isoleucine, which is neutral and non-polar, with leucine, which is neutral and non-polar, at codon 227 of the PSEN1 protein (p.Ile227Leu).

NM_000021.4(PSEN1):c.679A>C (p.Ile227Leu)

Gene: PSEN1 (presenilin 1; plus strand). Cytogenetic location: 14q24.2.
Variant type: single nucleotide variant.
Coding change: c.679A>C on transcript NM_000021.4 (MANE Select); coding-DNA position 679, A replaced by C.
Protein change: p.Ile227Leu; replaces isoleucine 227 with leucine.
Molecular consequence: missense variant.
Genome position (GRCh38, 1-based): chr14:73,192,774, A>C. VCF-style: chr14-73192774-A-C. GRCh37 (hg19) VCF-style: chr14-73659482-A-C.
Other names: c.667A>C, p.Ile223Leu (NM_007318.3); short protein forms I223L, I227L.
Identifiers: ClinVar variation 2067074 (VCV002067074.3), dbSNP rs199842082, ClinGen allele CA390299651.